The following is an entry in ClinVar:

ClinVar aggregate classification (germline): Benign. Review status: criteria provided, multiple submitters, no conflicts (2 of 4 stars). 3 submissions from 3 submitters: Benign (3). Last evaluated 2018-09-26.

Conditions:
Torsion dystonia 6 (DYT6). Also called: DYT-THAP1. Identifiers: Orphanet 98806, MedGen C1414216, MONDO:0011264, OMIM 602629.

Allele frequency attached by ClinVar (database versions not stated): gnomAD 0.01419 and 0.01357; 1000 Genomes Project 30x 0.00359; gnomAD exomes 0.01532; 1000 Genomes Project 0.00379; TOPMed 0.00876.

Submissions (3):

GeneDx
Classification: Benign. Last evaluated: 2018-09-26. Review status: criteria provided, single submitter. Criteria: GeneDx Variant Classification Process June 2021. Collection method: clinical testing. Allele origin: germline. Affected: yes.

Illumina Laboratory Services, Illumina
Classification: Benign for Torsion dystonia 6. Last evaluated: 2018-01-13. Review status: criteria provided, single submitter. Criteria: ICSL Variant Classification Criteria 13 December 2019. Collection method: clinical testing. Allele origin: germline.
Comment: This variant was observed in the ICSL laboratory as part of a predisposition screen in an ostensibly healthy population. It had not been previously curated by ICSL or reported in the Human Gene Mutation Database (HGMD: prior to June 1st, 2018), and was therefore a candidate for classification through an automated scoring system. Utilizing variant allele frequency, disease prevalence and penetrance estimates, and inheritance mode, an automated score was calculated to assess if this variant is too frequent to cause the disease. Based on the score and internal cut-off values, a variant classified as benign is not then subjected to further curation. The score for this variant resulted in a classification of benign for this disease.

Breakthrough Genomics
Classification: Benign. Review status: criteria provided, single submitter. Criteria: ACMG Guidelines, 2015. Collection method: not provided. Allele origin: germline. Inheritance: Autosomal dominant inheritance. Affected: yes.

NM_018105.2(THAP1):c.-237G>T

Gene: THAP1 (THAP domain containing 1; minus strand). Cytogenetic location: 8p11.21.
Variant type: single nucleotide variant.
Coding change: c.-237G>T on transcript NM_018105.2; 237 bases upstream of the start codon, G replaced by T.
Genome position (GRCh38, 1-based): chr8:42,843,331, C>A on the plus strand (G>T on the coding strand, the complement: THAP1 is on the minus strand). VCF-style: chr8-42843331-C-A. GRCh37 (hg19) VCF-style: chr8-42698474-C-A.
Identifiers: ClinVar variation 363134 (VCV000363134.10), dbSNP rs370983900, ClinGen allele CA10627893.